The following is an entry in ClinVar:

ClinVar aggregate classification (germline): Uncertain significance. Review status: criteria provided, multiple submitters, no conflicts (2 of 4 stars). 5 submissions from 5 submitters: Uncertain significance (4). 1 of the submissions does not count toward it. Last evaluated 2023-05-04.

Conditions:
Autosomal recessive nonsyndromic hearing loss 12. Also called: DEAFNESS, AUTOSOMAL RECESSIVE 12. Identifiers: Orphanet 90636, MedGen C1832394, MONDO:0011067, OMIM 601386.
Usher syndrome type 1D (USH1D). Also called: USHER SYNDROME, TYPE ID. Identifiers: Orphanet 231169, Orphanet 886, MedGen C1832845, MONDO:0010984, OMIM 601067.
Pituitary adenoma 5, multiple types. Identifiers: MedGen C4539685, MONDO:0054601, OMIM 617540.
Usher syndrome type 1 (USH1). Also called: RETINITIS PIGMENTOSA AND CONGENITAL DEAFNESS. Identifiers: Orphanet 231169, Orphanet 886, MedGen C1568247, MONDO:0010168, OMIM 276900.

Allele frequency attached by ClinVar (database versions not stated): ExAC 0.00006; TOPMed 0.00007; ESP Exome Variant Server 0.00008; gnomAD exomes 0.00003 and 0.00004; gnomAD 0.00011.
gnomAD v4.1: 59 of 1,613,870 alleles (0.0037%); highest among the groups gnomAD compares: African/African-American, 0.019%; no homozygotes.

Submissions (5):

Blueprint Genetics
Classification: Uncertain significance. Last evaluated: 2023-05-04. Review status: criteria provided, single submitter. Criteria: ACMG Guidelines, 2015. Collection method: clinical testing. Allele origin: germline.

Labcorp Genetics (formerly Invitae), Labcorp
Classification: Uncertain significance. Last evaluated: 2022-08-23. Review status: criteria provided, single submitter. Criteria: Invitae Variant Classification Sherloc (09022015). Collection method: clinical testing. Allele origin: germline.
Comment: This sequence change replaces threonine, which is neutral and polar, with methionine, which is neutral and non-polar, at codon 2290 of the CDH23 protein (p.Thr2290Met). This variant is present in population databases (rs370912192, gnomAD 0.03%). This variant has not been reported in the literature in individuals affected with CDH23-related conditions. ClinVar contains an entry for this variant (Variation ID: 840016). Algorithms developed to predict the effect of missense changes on protein structure and function are either unavailable or do not agree on the potential impact of this missense change (SIFT: "Deleterious"; PolyPhen-2: "Not Available"; Align-GVGD: "Class C65"). In summary, the available evidence is currently insufficient to determine the role of this variant in disease. Therefore, it has been classified as a Variant of Uncertain Significance.

Fulgent Genetics
Classification: Uncertain significance for Usher syndrome type 1D; Autosomal recessive nonsyndromic hearing loss 12; Pituitary adenoma 5, multiple types. Last evaluated: 2021-12-15. Review status: criteria provided, single submitter. Criteria: ACMG Guidelines, 2015. Collection method: clinical testing. Allele origin: unknown.

Breakthrough Genomics
Classification: Uncertain significance. Review status: criteria provided, single submitter. Criteria: ACMG Guidelines, 2015. Collection method: not provided. Allele origin: germline. Inheritance: Autosomal recessive inheritance. Affected: yes.

Natera, Inc.
Classification: Uncertain significance for Usher syndrome type 1. Last evaluated: 2020-02-17. Review status: no assertion criteria provided. Collection method: clinical testing. Allele origin: germline. Not counted in ClinVar's aggregate classification.

NM_022124.6(CDH23):c.6869C>T (p.Thr2290Met)

Gene: CDH23 (cadherin related 23; plus strand). Cytogenetic location: 10q22.1.
Variant type: single nucleotide variant.
Coding change: c.6869C>T on transcript NM_022124.6 (MANE Select); coding-DNA position 6869, C replaced by T.
Protein change: p.Thr2290Met; replaces threonine 2290 with methionine.
Molecular consequence: missense variant.
Genome position (GRCh38, 1-based): chr10:71,798,393, C>T. VCF-style: chr10-71798393-C-T. GRCh37 (hg19) VCF-style: chr10-73558150-C-T.
Other names: c.149C>T, p.Thr50Met (NM_001171933.1, NM_001171934.1); short protein forms T50M, T2290M.
Identifiers: ClinVar variation 840016 (VCV000840016.7), dbSNP rs370912192, ClinGen allele CA5546213.